The following is an entry in ClinVar:

ClinVar aggregate classification (germline): Pathogenic (1 of 4 stars; one submission).

Conditions:
Neu-Laxova syndrome 2. Identifiers: Orphanet 2671, Orphanet 583602, MedGen C4015019, MONDO:0014466, OMIM 616038.

Submission:

Labcorp Genetics (formerly Invitae), Labcorp
Classification: Pathogenic for Neu-Laxova syndrome 2. Last evaluated: 2024-05-28. Review status: criteria provided, single submitter. Criteria: Invitae Variant Classification Sherloc (09022015). Collection method: clinical testing. Allele origin: germline.
Comment: This sequence change creates a premature translational stop signal (p.Gly203Argfs*11) in the PSAT1 gene. It is expected to result in an absent or disrupted protein product. Loss-of-function variants in PSAT1 are known to be pathogenic (PMID: 17436247, 25152457). This variant is not present in population databases (gnomAD no frequency). This variant has not been reported in the literature in individuals affected with PSAT1-related conditions. For these reasons, this variant has been classified as Pathogenic.

Literature cited by the submitters: PubMed 17436247; PubMed 25152457.

NM_058179.4(PSAT1):c.598_605dup (p.Gly203fs)

Gene: PSAT1 (phosphoserine aminotransferase 1; plus strand). Cytogenetic location: 9q21.2.
Variant type: Duplication.
Coding change: c.598_605dup on transcript NM_058179.4 (MANE Select); coding-DNA positions 598 to 605, 8 bases duplicated (AAGAATGT; older notation c.598_605dupAAGAATGT).
Protein change: p.Gly203fs; shifts the reading frame from glycine 203.
Molecular consequence: frameshift variant.
Genome position (GRCh38, 1-based): chr9:78,308,441-78,308,448, AAGAATGT duplicated. VCF-style (leftmost placement, unchanged base first): chr9-78308440-G-GAAGAATGT. GRCh37 (hg19) VCF-style: chr9-80923356-G-GAAGAATGT.
Other names: c.598_605dup, p.Gly203fs (NM_021154.5); short protein forms G203fs.
Identifiers: ClinVar variation 3654866 (VCV003654866.2).